The following is an entry in ClinVar:

NM_001015878.2(AURKC):c.396G>A (p.Leu132=)

Gene: AURKC (aurora kinase C; plus strand). Cytogenetic location: 19q13.43.
Variant type: single nucleotide variant.
Coding change: c.396G>A on transcript NM_001015878.2 (MANE Select); coding-DNA position 396, G replaced by A.
Protein change: p.Leu132=; no amino-acid change (leucine 132 retained).
Molecular consequence: synonymous variant.
Genome position (GRCh38, 1-based): chr19:57,232,641, G>A. VCF-style: chr19-57232641-G-A. GRCh37 (hg19) VCF-style: chr19-57744009-G-A.
Other names: c.339G>A, p.Leu113= (NM_001015879.2); c.294G>A, p.Leu98= (NM_003160.3).
Identifiers: ClinVar variation 330230 (VCV000330230.9), dbSNP rs55710619, ClinGen allele CA9695956.

ClinVar aggregate classification (germline): Benign/Likely benign. Review status: criteria provided, multiple submitters, no conflicts (2 of 4 stars). 3 submissions from 3 submitters: Benign (1); Likely benign (2). Last evaluated 2018-04-03.

Conditions:
Infertility associated with multi-tailed spermatozoa and excessive DNA (SPGF5). Also called: Male Infertility with Large-Headed, Multiflagellar, Polyploid Spermatozoa; spermatogenic failure 5. Identifiers: Orphanet 137893, MedGen C0403812, MONDO:0009461, OMIM 243060.

Allele frequency attached by ClinVar (database versions not stated): gnomAD exomes 0.00239 and 0.00088; ExAC 0.00290; TOPMed 0.01038; 1000 Genomes Project 0.00799; 1000 Genomes Project 30x 0.00890; gnomAD 0.00924 and 0.00991; ESP Exome Variant Server 0.00992.
gnomAD v4.1: 2,762 of 1,614,106 alleles (0.17%); highest among the groups gnomAD compares: African/African-American, 3.3%; 43 homozygotes.

Submissions (3):

Labcorp Genetics (formerly Invitae), Labcorp
Classification: Benign. Last evaluated: 2018-04-03. Review status: criteria provided, single submitter. Criteria: Invitae Variant Classification Sherloc (09022015). Collection method: clinical testing. Allele origin: germline.

Illumina Laboratory Services, Illumina
Classification: Likely benign for Infertility associated with multi-tailed spermatozoa and excessive DNA. Last evaluated: 2018-01-13. Review status: criteria provided, single submitter. Criteria: ICSL Variant Classification Criteria 13 December 2019. Collection method: clinical testing. Allele origin: germline.
Comment: This variant was observed in the ICSL laboratory as part of a predisposition screen in an ostensibly healthy population. It had not been previously curated by ICSL or reported in the Human Gene Mutation Database (HGMD: prior to June 1st, 2018), and was therefore a candidate for classification through an automated scoring system. Utilizing variant allele frequency, disease prevalence and penetrance estimates, and inheritance mode, an automated score was calculated to assess if this variant is too frequent to cause the disease. Based on the score and internal cut-off values, a variant classified as likely benign is not then subjected to further curation. The score for this variant resulted in a classification of likely benign for this disease.

Breakthrough Genomics
Classification: Likely benign. Review status: criteria provided, single submitter. Criteria: ACMG Guidelines, 2015. Collection method: not provided. Allele origin: germline. Inheritance: Autosomal recessive inheritance. Affected: yes.